The following is an entry in ClinVar:

ClinVar aggregate classification (germline): Uncertain significance. Review status: criteria provided, multiple submitters, no conflicts (2 of 4 stars). 2 submissions from 2 submitters: Uncertain significance (2). Last evaluated 2025-12-17.

Conditions:
Growth hormone insensitivity with immune dysregulation 1, autosomal recessive. Also called: GROWTH HORMONE INSENSITIVITY SYNDROME WITH IMMUNE DYSREGULATION 1, AUTOSOMAL RECESSIVE; Laron syndrome with immunodeficiency; GROWTH HORMONE INSENSITIVITY DUE TO POSTRECEPTOR DEFECT; LARON SYNDROME DUE TO POSTRECEPTOR DEFECT. Identifiers: Orphanet 220465, MedGen C5435698, MONDO:0100211, OMIM 245590.

Allele frequency attached by ClinVar (database versions not stated): gnomAD exomes 0.00004 and 0.00013; gnomAD 0.00005 and 0.00006; TOPMed 0.00006; ExAC 0.00012; 1000 Genomes Project 30x 0.00016; 1000 Genomes Project 0.00020.
gnomAD v4.1: 68 of 1,614,058 alleles (0.0042%); highest among the groups gnomAD compares: East Asian, 0.078%; no homozygotes.

Submissions (2):

Labcorp Genetics (formerly Invitae), Labcorp
Classification: Uncertain significance for Growth hormone insensitivity with immune dysregulation 1, autosomal recessive. Last evaluated: 2025-12-17. Review status: criteria provided, single submitter. Criteria: Invitae Variant Classification Sherloc (09022015). Collection method: clinical testing. Allele origin: germline.
Comment: This sequence change replaces valine, which is neutral and non-polar, with methionine, which is neutral and non-polar, at codon 531 of the STAT5B protein (p.Val531Met). This variant is present in population databases (rs142918872, gnomAD 0.2%). This variant has not been reported in the literature in individuals affected with STAT5B-related conditions. ClinVar contains an entry for this variant (Variation ID: 534575). Invitae Evidence Modeling of protein sequence and biophysical properties (such as structural, functional, and spatial information, amino acid conservation, physicochemical variation, residue mobility, and thermodynamic stability) indicates that this missense variant is not expected to disrupt STAT5B protein function with a negative predictive value of 80%. In summary, the available evidence is currently insufficient to determine the role of this variant in disease. Therefore, it has been classified as a Variant of Uncertain Significance.

Blueprint Genetics
Classification: Uncertain significance. Last evaluated: 2024-02-27. Review status: criteria provided, single submitter. Criteria: ACMG Guidelines, 2015. Collection method: clinical testing. Allele origin: germline.

NM_012448.4(STAT5B):c.1591G>A (p.Val531Met)

Gene: STAT5B (signal transducer and activator of transcription 5B; minus strand). Cytogenetic location: 17q21.2.
Variant type: single nucleotide variant.
Coding change: c.1591G>A on transcript NM_012448.4 (MANE Select); coding-DNA position 1591, G replaced by A.
Protein change: p.Val531Met; replaces valine 531 with methionine.
Molecular consequence: missense variant.
Genome position (GRCh38, 1-based): chr17:42,212,073, C>T on the plus strand (G>A on the coding strand, the complement: STAT5B is on the minus strand). VCF-style: chr17-42212073-C-T. GRCh37 (hg19) VCF-style: chr17-40364091-C-T.
Other names: short protein forms V531M.
Identifiers: ClinVar variation 534575 (VCV000534575.13), dbSNP rs142918872, ClinGen allele CA8573995.
Genomic context (GRCh38, chr17:42,212,073, plus strand): 5'-GGCCACTGTAGTCCTCCAGGTGGCTGCTGCTGTTGTTGAACAGTTTCTGCGCCAGGAACA[C>T]GAGGTTCTCCTTGGTCAGGCCCCGGTTGCTCTGCACTTCGGCCTTGAATTTCATGTTGAG-3'
Protein context (NP_036580.2, residues 521-541): SNRGLTKENL[Val531Met]FLAQKLFNNS